The following is an entry in ClinVar:

NM_002471.4(MYH6):c.1810G>A (p.Glu604Lys)

Gene: MYH6 (myosin heavy chain 6; minus strand). Cytogenetic location: 14q11.2.
Variant type: single nucleotide variant.
Coding change: c.1810G>A on transcript NM_002471.4 (MANE Select); coding-DNA position 1810, G replaced by A.
Protein change: p.Glu604Lys; replaces glutamic acid 604 with lysine.
Molecular consequence: missense variant.
Genome position (GRCh38, 1-based): chr14:23,398,809, C>T on the plus strand (G>A on the coding strand, the complement: MYH6 is on the minus strand). VCF-style: chr14-23398809-C-T. GRCh37 (hg19) VCF-style: chr14-23868018-C-T.
Other names: short protein forms E604K.
Identifiers: ClinVar variation 844476 (VCV000844476.10), dbSNP rs1203125451, ClinGen allele CA389019983.
Genomic context (GRCh38, chr14:23,398,809, plus strand): 5'-AGGAGAAGAGAGTGGCCATGAGCTTGAGGGAGGACTTCTGGTACAGGGCCACAACAGTCT[C>T]GTTGAGAGGATCCTTGTTTTTTTCCAGCCAGCCCAGGATGTTGTAGTCCACAGTGCCGGC-3'
Protein context (NP_002462.2, residues 594-614): WLEKNKDPLN[Glu604Lys]TVVALYQKSS

ClinVar aggregate classification (germline): Uncertain significance. Review status: criteria provided, multiple submitters, no conflicts (2 of 4 stars). 2 submissions from 2 submitters: Uncertain significance (2). Last evaluated 2024-06-21.

Conditions:
Cardiovascular phenotype. Identifiers: MedGen CN230736.
Hypertrophic cardiomyopathy 14. Identifiers: MedGen C2750467, MONDO:0013197, OMIM 613251.

Allele frequency attached by ClinVar (database versions not stated): gnomAD exomes below 0.00001; TOPMed 0.00001; gnomAD 0.00004.
gnomAD v4.1: 11 of 1,614,052 alleles (0.00068%); highest among the groups gnomAD compares: African/African-American, 0.004%; no homozygotes.

Submissions (2):

Ambry Genetics
Classification: Uncertain significance for Cardiovascular phenotype. Last evaluated: 2024-06-21. Review status: criteria provided, single submitter. Criteria: Ambry Variant Classification Scheme 2023. Collection method: clinical testing. Allele origin: germline.
Comment: The p.E604K variant (also known as c.1810G>A), located in coding exon 13 of the MYH6 gene, results from a G to A substitution at nucleotide position 1810. The glutamic acid at codon 604 is replaced by lysine, an amino acid with similar properties. This amino acid position is conserved. In addition, the in silico prediction for this alteration is inconclusive. Based on the available evidence, the clinical significance of this variant remains unclear.

Labcorp Genetics (formerly Invitae), Labcorp
Classification: Uncertain significance for Hypertrophic cardiomyopathy 14. Last evaluated: 2019-04-01. Review status: criteria provided, single submitter. Criteria: Invitae Variant Classification Sherloc (09022015). Collection method: clinical testing. Allele origin: germline.
Comment: This sequence change replaces glutamic acid with lysine at codon 604 of the MYH6 protein (p.Glu604Lys). The glutamic acid residue is weakly conserved and there is a small physicochemical difference between glutamic acid and lysine. In summary, the available evidence is currently insufficient to determine the role of this variant in disease. Therefore, it has been classified as a Variant of Uncertain Significance. Algorithms developed to predict the effect of missense changes on protein structure and function are either unavailable or do not agree on the potential impact of this missense change (SIFT: "Tolerated"; PolyPhen-2: "Possibly Damaging"; Align-GVGD: "Class C0"). This variant has not been reported in the literature in individuals with MYH6-related conditions. This variant is not present in population databases (ExAC no frequency).